The following is an entry in ClinVar:

NM_000066.4(C8B):c.1178A>T (p.Tyr393Phe)

Gene: C8B (complement C8 beta chain; minus strand). Cytogenetic location: 1p32.2.
Variant type: single nucleotide variant.
Coding change: c.1178A>T on transcript NM_000066.4 (MANE Select); coding-DNA position 1178, A replaced by T.
Protein change: p.Tyr393Phe; replaces tyrosine 393 with phenylalanine.
Molecular consequence: missense variant.
Genome position (GRCh38, 1-based): chr1:56,943,752, T>A on the plus strand (A>T on the coding strand, the complement: C8B is on the minus strand). VCF-style: chr1-56943752-T-A. GRCh37 (hg19) VCF-style: chr1-57409425-T-A.
Other names: c.1022A>T, p.Tyr341Phe (NM_001278543.2); c.992A>T, p.Tyr331Phe (NM_001278544.2); short protein forms Y341F, Y331F, Y393F.
Identifiers: ClinVar variation 1427151 (VCV001427151.7), dbSNP rs778543261, ClinGen allele CA340524672.
Genomic context (GRCh38, chr1:56,943,752, plus strand): 5'-TCACCTTTTATTTCATTCAGAATACCTCTGCATTTGCCTACAGACACACCCAGACTGACG[T>A]AGACCTCTTCAATGGCACCACCAATTTTAAAATCATTTTTGGCACAGGCATGGACGTTGT-3'
Protein context (NP_000057.3, residues 383-403): FKIGGAIEEV[Tyr393Phe]VSLGVSVGKC

ClinVar aggregate classification (germline): Uncertain significance (1 of 4 stars; one submission).

Submission:

Labcorp Genetics (formerly Invitae), Labcorp
Classification: Uncertain significance. Last evaluated: 2022-10-24. Review status: criteria provided, single submitter. Criteria: Invitae Variant Classification Sherloc (09022015). Collection method: clinical testing. Allele origin: germline.
Comment: This sequence change replaces tyrosine, which is neutral and polar, with phenylalanine, which is neutral and non-polar, at codon 393 of the C8B protein (p.Tyr393Phe). This variant is not present in population databases (gnomAD no frequency). This variant has not been reported in the literature in individuals affected with C8B-related conditions. ClinVar contains an entry for this variant (Variation ID: 1427151). Algorithms developed to predict the effect of missense changes on protein structure and function (SIFT, PolyPhen-2, Align-GVGD) all suggest that this variant is likely to be tolerated. In summary, the available evidence is currently insufficient to determine the role of this variant in disease. Therefore, it has been classified as a Variant of Uncertain Significance.